The following is an entry in ClinVar:

NM_001060.6(TBXA2R):c.416C>A (p.Ser139Ter)

Gene: TBXA2R (thromboxane A2 receptor; minus strand). Cytogenetic location: 19p13.3.
Variant type: single nucleotide variant.
Coding change: c.416C>A on transcript NM_001060.6 (MANE Select); coding-DNA position 416, C replaced by A.
Protein change: p.Ser139Ter; replaces serine 139 with a stop codon.
Molecular consequence: nonsense.
Genome position (GRCh38, 1-based): chr19:3,600,219, G>T on the plus strand (C>A on the coding strand, the complement: TBXA2R is on the minus strand). VCF-style: chr19-3600219-G-T. GRCh37 (hg19) VCF-style: chr19-3600217-G-T.
Other names: c.416C>A, p.Ser139Ter (NM_201636.3); short protein forms S139*.
Identifiers: ClinVar variation 3376276 (VCV003376276.1).
Genomic context (GRCh38, chr19:3,600,219, plus strand): 5'-GCCGCCCACACCAGCCCCACGGTGGCCCAGGCGCGGCGCTGCGAGGCGACCGCCGGGCGC[G>T]AGAAGGGCCGGGTGATACCCAGGTAGCGCTCTGAGGCCATGGCGGCCCCCAGCAGCAGCG-3'

ClinVar aggregate classification (germline): Likely pathogenic (1 of 4 stars; one submission).

Conditions:
Bleeding disorder, platelet-type, 13, susceptibility to (BDPLT13). Also called: BLEEDING DISORDER, SUSCEPTIBILITY TO, DUE TO DEFECTIVE PLATELET THROMBOXANE A2 RECEPTOR. Identifiers: MedGen C3279614, MONDO:0800447, OMIM 614009.

gnomAD v4.1: 1 of 1,608,264 alleles (0.000062%); highest among the groups gnomAD compares: East Asian, 0.0022%; no homozygotes.

Submission:

Pittsburgh Clinical Genomics Laboratory, University of Pittsburgh Medical Center
Classification: Likely pathogenic for Bleeding disorder, platelet-type, 13, susceptibility to. Last evaluated: 2023-03-21. Review status: criteria provided, single submitter. Criteria: ACMG Guidelines, 2015. Collection method: clinical testing. Allele origin: germline. Inheritance: Autosomal dominant inheritance. Affected: yes.
Comment: This sequence variant is a single nucleotide substitution (C>A) at coding nucleotide 416 in exon 2 of 3 of the TBXA2R gene. This substitution changes a serine codon to a premature termition sigl. As this variant occurs prior to the last 50 bases of the penultimate exon, this variant is predicted to generate a non-functiol allele through either the expression of a truncated protein or a loss of TBXA2R expression due to nonsense mediated decay (PMID: 30192042). This is a novel variant that has is absent from an online database of clinically annotated variants (ClinVar) and from the gnomAD population dataset (0 of approximately 230,000 alleles). To our knowledge, this variant has not been observed in the published literature in an individual with a TBXA2R-related disorder, and studies examining the functiol consequence of this variant have not been published. Nonetheless, TBXA2R loss of function is a known mechanism of disease (PMID: 30089223). Based upon the evidence, we consider this variant to be likely pathogenic. ACMG Criteria: PM2, PVS1

Literature cited by the submitters: PubMed 30089223; PubMed 30192042.